The following is an entry in ClinVar:

NC_000017.10:g.(?_19559659)_(19568380_?)del

Gene: ALDH3A2 (aldehyde dehydrogenase 3 family member A2; plus strand). Cytogenetic location: 17p11.2.
Variant type: Deletion.
Identifiers: ClinVar variation 2422989 (VCV002422989.4).

ClinVar aggregate classification (germline): Pathogenic (1 of 4 stars; one submission).

Submission:

Labcorp Genetics (formerly Invitae), Labcorp
Classification: Pathogenic. Last evaluated: 2023-10-22. Review status: criteria provided, single submitter. Criteria: Invitae Variant Classification Sherloc (09022015). Collection method: clinical testing. Allele origin: germline.
Comment: This variant is a gross deletion of the genomic region encompassing exon(s) 4-8 of the ALDH3A2 gene. This deletion is out-of-frame, and is expected to create a premature termination codon and result in an absent or disrupted protein product. Loss-of-function variants in ALDH3A2 are known to be pathogenic (PMID: 10577908, 10854114). This variant has not been reported in the literature in individuals affected with ALDH3A2-related conditions. For these reasons, this variant has been classified as Pathogenic.

Literature cited by the submitters: PubMed 10577908; PubMed 10854114.